The following is an entry in ClinVar:

NM_182931.3(KMT2E):c.1349A>G (p.Tyr450Cys)

Gene: KMT2E (lysine methyltransferase 2E (inactive); plus strand). Cytogenetic location: 7q22.3.
Variant type: single nucleotide variant.
Coding change: c.1349A>G on transcript NM_182931.3 (MANE Select); coding-DNA position 1349, A replaced by G.
Protein change: p.Tyr450Cys; replaces tyrosine 450 with cysteine.
Molecular consequence: missense variant.
Genome position (GRCh38, 1-based): chr7:105,081,788, A>G. VCF-style: chr7-105081788-A-G. GRCh37 (hg19) VCF-style: chr7-104722235-A-G.
Other names: c.1349A>G, p.Tyr450Cys (NM_001410908.1, NM_018682.4); c.1349A>G (NM_182931.2); short protein forms Y450C.
Identifiers: ClinVar variation 1709671 (VCV001709671.5), dbSNP rs140935407, ClinGen allele CA163994427.

ClinVar aggregate classification (germline): Uncertain significance. Review status: criteria provided, multiple submitters, no conflicts (2 of 4 stars). 3 submissions from 3 submitters: Uncertain significance (3). Last evaluated 2025-01-30.

Conditions:
O'Donnell-Luria-Rodan syndrome (ODLURO). Also called: KMT2E-Related Neurodevelopmental Disorder. Identifiers: MedGen C5193138, MONDO:0032793, OMIM 618512.
Inborn genetic diseases. Identifiers: MedGen C0950123, MeSH D030342.

Allele frequency attached by ClinVar (database versions not stated): gnomAD exomes below 0.00001; TOPMed 0.00001; ESP Exome Variant Server 0.00008.
gnomAD v4.1: 4 of 1,407,394 alleles (0.00028%); highest among the groups gnomAD compares: Admixed American, 0.0019%; no homozygotes.

Submissions (3):

Labcorp Genetics (formerly Invitae), Labcorp
Classification: Uncertain significance. Last evaluated: 2025-01-30. Review status: criteria provided, single submitter. Criteria: Invitae Variant Classification Sherloc (09022015). Collection method: clinical testing. Allele origin: germline.
Comment: This sequence change replaces tyrosine, which is neutral and polar, with cysteine, which is neutral and slightly polar, at codon 450 of the KMT2E protein (p.Tyr450Cys). This variant is present in population databases (rs140935407, gnomAD 0.0009%). This variant has not been reported in the literature in individuals affected with KMT2E-related conditions. ClinVar contains an entry for this variant (Variation ID: 1709671). Invitae Evidence Modeling of protein sequence and biophysical properties (such as structural, functional, and spatial information, amino acid conservation, physicochemical variation, residue mobility, and thermodynamic stability) indicates that this missense variant is expected to disrupt KMT2E protein function with a positive predictive value of 80%. In summary, the available evidence is currently insufficient to determine the role of this variant in disease. Therefore, it has been classified as a Variant of Uncertain Significance.

Ambry Genetics
Classification: Uncertain significance for Inborn genetic diseases. Last evaluated: 2024-06-17. Review status: criteria provided, single submitter. Criteria: Ambry Variant Classification Scheme 2023. Collection method: clinical testing. Allele origin: germline.

MGZ Medical Genetics Center
Classification: Uncertain significance for O'Donnell-Luria-Rodan syndrome. Last evaluated: 2022-07-26. Review status: criteria provided, single submitter. Criteria: ACMG Guidelines, 2015. Collection method: clinical testing. Allele origin: germline. Affected: yes. Observed: 1 variant allele.
Comment: ACMG criteria applied: PM2_SUP, PP3